The following is an entry in ClinVar:

ClinVar aggregate classification (germline): Uncertain significance (1 of 4 stars; one submission).

Conditions:
Hereditary diffuse gastric adenocarcinoma (HDGC). Also called: DIFFUSE GASTRIC AND LOBULAR BREAST CANCER SYNDROME. Identifiers: Orphanet 26106, MedGen C1708349, MONDO:0007648, OMIM 137215.

Submission:

Labcorp Genetics (formerly Invitae), Labcorp
Classification: Uncertain significance for Hereditary diffuse gastric adenocarcinoma. Last evaluated: 2021-01-10. Review status: criteria provided, single submitter. Criteria: Invitae Variant Classification Sherloc (09022015). Collection method: clinical testing. Allele origin: germline.
Comment: Algorithms developed to predict the effect of missense changes on protein structure and function (SIFT, PolyPhen-2, Align-GVGD) all suggest that this variant is likely to be tolerated, but these predictions have not been confirmed by published functional studies and their clinical significance is uncertain. This sequence change replaces leucine with valine at codon 46 of the CDH1 protein (p.Leu46Val). The leucine residue is highly conserved and there is a small physicochemical difference between leucine and valine. This variant is not present in population databases (ExAC no frequency). This variant has not been reported in the literature in individuals with CDH1-related conditions. In summary, the available evidence is currently insufficient to determine the role of this variant in disease. Therefore, it has been classified as a Variant of Uncertain Significance.

NM_004360.5(CDH1):c.136C>G (p.Leu46Val)

Gene: CDH1 (cadherin 1; plus strand). Cytogenetic location: 16q22.1.
Variant type: single nucleotide variant.
Coding change: c.136C>G on transcript NM_004360.5 (MANE Select); coding-DNA position 136, C replaced by G.
Protein change: p.Leu46Val; replaces leucine 46 with valine.
Molecular consequence: missense variant. On other transcripts: 5 prime UTR variant (2).
Genome position (GRCh38, 1-based): chr16:68,738,384, C>G. VCF-style: chr16-68738384-C-G. GRCh37 (hg19) VCF-style: chr16-68772287-C-G.
Other names: c.136C>G, p.Leu46Val (NM_001317184.2); c.-1480C>G (NM_001317185.2); c.-1684C>G (NM_001317186.2); short protein forms L46V.
Identifiers: ClinVar variation 1046513 (VCV001046513.9), dbSNP rs1410833063, ClinGen allele CA396452207.